The following is an entry in ClinVar:

ClinVar aggregate classification (germline): Uncertain significance (1 of 4 stars; one submission).

Submission:

Labcorp Genetics (formerly Invitae), Labcorp
Classification: Uncertain significance. Last evaluated: 2024-10-15. Review status: criteria provided, single submitter. Criteria: Invitae Variant Classification Sherloc (09022015). Collection method: clinical testing. Allele origin: germline.
Comment: This sequence change falls in intron 10 of the MYLK3 gene. It does not directly change the encoded amino acid sequence of the MYLK3 protein. This variant is not present in population databases (gnomAD no frequency). This variant has not been reported in the literature in individuals affected with MYLK3-related conditions. Algorithms developed to predict the effect of sequence changes on RNA splicing suggest that this variant may disrupt the consensus splice site. In summary, the available evidence is currently insufficient to determine the role of this variant in disease. Therefore, it has been classified as a Variant of Uncertain Significance.

NM_182493.3(MYLK3):c.2115-12T>C

Gene: MYLK3 (myosin light chain kinase 3; minus strand). Cytogenetic location: 16q11.2.
Variant type: single nucleotide variant.
Coding change: c.2115-12T>C on transcript NM_182493.3 (MANE Select); 12 bases into the intron before coding-DNA position 2115, T replaced by C.
Molecular consequence: intron variant.
Genome position (GRCh38, 1-based): chr16:46,710,801, A>G on the plus strand (T>C on the coding strand, the complement: MYLK3 is on the minus strand). VCF-style: chr16-46710801-A-G. GRCh37 (hg19) VCF-style: chr16-46744713-A-G.
Other names: c.1092-12T>C (NM_001308301.1).
Identifiers: ClinVar variation 3677940 (VCV003677940.2).